The following is an entry in ClinVar:

NM_001374736.1(DST):c.16609-1G>T

Gene: DST (dystonin; minus strand). Cytogenetic location: 6p12.1.
Variant type: single nucleotide variant.
Coding change: c.16609-1G>T on transcript NM_001374736.1 (MANE Select); the canonical splice acceptor site of the intron before coding-DNA position 16609, G replaced by T.
Molecular consequence: splice acceptor variant.
Genome position (GRCh38, 1-based): chr6:56,536,941, C>A on the plus strand (G>T on the coding strand, the complement: DST is on the minus strand). VCF-style: chr6-56536941-C-A. GRCh37 (hg19) VCF-style: chr6-56401739-C-A.
Other names: c.10252-1G>T (NM_001144769.5); c.16609-1G>T (NM_001374722.1); c.16636-1G>T (NM_001374734.1); c.9838-1G>T (NM_001144770.2); c.9718-1G>T (NM_001374730.1, NM_001386100.1, NM_183380.4); c.15976-1G>T (NM_001374729.1); c.8740-1G>T (NM_015548.5).
Identifiers: ClinVar variation 1466358 (VCV001466358.11), dbSNP rs766657292, ClinGen allele CA3867634.
Genomic context (GRCh38, chr6:56,536,941, plus strand): 5'-TAACCAGTTTACATCTTGCTGTTTACCTTGCAAGGGTTCAATCTCTTCTTTCTGGAATAC[C>A]TGCAGTTAAAAGAGTAATAATTATATGAGTTATATTACCTATCAACCGCCAAATATATAA-3'

ClinVar aggregate classification (germline): Conflicting classifications of pathogenicity. Review status: criteria provided, conflicting classifications (1 of 4 stars). 4 submissions from 4 submitters: Pathogenic (1); Likely pathogenic (2); Uncertain significance (1). Last evaluated 2026-06-02.

Conditions:
DST-related disorder. Also called: DST-related disorders; DST-related condition.
Inborn genetic diseases. Identifiers: MedGen C0950123, MeSH D030342.
Hereditary sensory and autonomic neuropathy type 6. Also called: Neuropathy, hereditary sensory and autonomic, type VI; HSAN VI. Identifiers: Orphanet 314381, MedGen C3539003, MONDO:0013839, OMIM 614653.
Epidermolysis bullosa simplex 3, localized or generalized intermediate, with BP230 deficiency (EBS3). Also called: Epidermolysis bullosa simplex due to BP230 deficiency; Epidermolysis bullosa simplex, autosomal recessive 2. Identifiers: Orphanet 412181, MedGen C3809470, MONDO:0014180, OMIM 615425.

Allele frequency attached by ClinVar (database versions not stated): gnomAD 0.00002; TOPMed 0.00002; gnomAD exomes 0.00003; ExAC 0.00006.
gnomAD v4.1: 50 of 1,613,220 alleles (0.0031%); highest among the groups gnomAD compares: East Asian, 0.11%; no homozygotes.

Submissions (4):

Gansu Provincial Maternity and Child Care Hospital
Classification: Pathogenic for Hereditary sensory and autonomic neuropathy type 6. Last evaluated: 2026-06-02. Review status: criteria provided, single submitter. Criteria: ACMG Guidelines, 2015. Collection method: clinical testing. Allele origin: paternal. Inheritance: Autosomal recessive inheritance. Affected: yes.
Comment: The c.8740-1G>T variant is a canonical -1 splice site variant (PVS1). This site is not recorded in the gnomAD database (PM2_supporting).For recessive disorders, detected in trans with a pathogenic variant(PM3).This variant is classified as Pathogenic.

Blueprint Genetics
Classification: Likely pathogenic for DST-related disorders. Last evaluated: 2024-11-18. Review status: criteria provided, single submitter. Criteria: ACMG Guidelines, 2015. Collection method: clinical testing. Allele origin: germline. Affected: yes. Observed: 2 variant alleles.

Labcorp Genetics (formerly Invitae), Labcorp
Classification: Likely pathogenic for Epidermolysis bullosa simplex 3, localized or generalized intermediate, with BP230 deficiency; Hereditary sensory and autonomic neuropathy type 6. Last evaluated: 2023-10-03. Review status: criteria provided, single submitter. Criteria: Invitae Variant Classification Sherloc (09022015). Collection method: clinical testing. Allele origin: germline.
Comment: The DST gene has multiple clinically relevant transcripts. This variant occurs in alternate transcript NM_015548.4, and corresponds to NM_001723.5:c.*78576G>T in the primary transcript. This sequence change affects an acceptor splice site in intron 42 of the DST gene. It is expected to disrupt RNA splicing. Variants that disrupt the donor or acceptor splice site typically lead to a loss of protein function (PMID: 16199547), and loss-of-function variants in DST are known to be pathogenic (PMID: 22522446, 25059916, 30371979). This variant is present in population databases (rs766657292, gnomAD 0.04%). This variant has not been reported in the literature in individuals affected with DST-related conditions. In summary, the currently available evidence indicates that the variant is pathogenic, but additional data are needed to prove that conclusively. Therefore, this variant has been classified as Likely Pathogenic.

Ambry Genetics
Classification: Uncertain significance for Inborn genetic diseases. Last evaluated: 2022-10-26. Review status: criteria provided, single submitter. Criteria: Ambry Variant Classification Scheme 2023. Collection method: clinical testing. Allele origin: germline.
Comment: Resulting transcript is predicted to be in-frame and is not expected to trigger nonsense-mediated mRNA decay Based on insufficient or conflicting evidence, the clinical significance of this alteration remains unclear.

Literature cited by the submitters: PubMed 16199547 (cited by Labcorp Genetics (formerly Invitae), Labcorp); PubMed 22522446 (cited by Labcorp Genetics (formerly Invitae), Labcorp); PubMed 25059916 (cited by Labcorp Genetics (formerly Invitae), Labcorp); PubMed 30371979 (cited by Labcorp Genetics (formerly Invitae), Labcorp).